The following is an entry in ClinVar:

NM_000268.4(NF2):c.1408C>T (p.Gln470Ter)

Gene: NF2 (NF2, moesin-ezrin-radixin like (MERLIN) tumor suppressor; plus strand). Cytogenetic location: 22q12.2.
Variant type: single nucleotide variant.
Coding change: c.1408C>T on transcript NM_000268.4 (MANE Select); coding-DNA position 1408, C replaced by T.
Protein change: p.Gln470Ter; replaces glutamine 470 with a stop codon.
Molecular consequence: nonsense. On other transcripts: non-coding transcript variant (1), intron variant (1).
Genome position (GRCh38, 1-based): chr22:29,674,903, C>T. VCF-style: chr22-29674903-C-T. GRCh37 (hg19) VCF-style: chr22-30070892-C-T.
Other names: c.1294C>T, p.Gln432Ter (NM_001407053.1, NM_001407056.1); c.1285C>T, p.Gln429Ter (NM_001407054.1, NM_001407058.1, NM_181829.3); c.1282C>T, p.Gln428Ter (NM_001407055.1, NM_181828.3); c.1273C>T, p.Gln425Ter (NM_001407057.1, NM_001407059.1); c.1408C>T, p.Gln470Ter (NM_001407060.1, NM_001407066.1, NM_016418.5 and 2 more transcripts); c.1150C>T, p.Gln384Ter (NM_001407062.1); c.1159C>T, p.Gln387Ter (NM_001407063.1, NM_001407064.1, NM_181830.3 and 1 more transcripts); c.874C>T, p.Gln292Ter (NM_001407065.1); and 2 more; short protein forms Q292*, Q384*, Q387*, Q393*, Q425*, Q428*, Q429*, Q432*.
Identifiers: ClinVar variation 3382267 (VCV003382267.3).

ClinVar aggregate classification (germline): Pathogenic (1 of 4 stars; one submission).
ClinVar aggregate classification (oncogenicity): Oncogenic (1 of 4 stars; one submission).

Conditions:
Neurofibromatosis, type 2 (SWNV). Also called: NF2-Related Schwannomatosis; BILATERAL ACOUSTIC NEUROFIBROMATOSIS; SCHWANNOMATOSIS, VESTIBULAR. Identifiers: Orphanet 637, MedGen C0027832, MONDO:0007039, OMIM 101000. Disease mechanism: loss of function.
Neoplasm. Also called: tumor; Neoplasms; Neoplasm (disease). Identifiers: MedGen C0027651, MeSH D009369, MONDO:0005070, HP:0002664.

Submissions (2):

Center for Genomic Medicine, Rigshospitalet, Copenhagen University Hospital
Classification: Oncogenic for Neoplasm. Last evaluated: 2025-12-29. Review status: criteria provided, single submitter. Criteria: ClinGen/CGC/VICC Guidelines for Oncogenicity, 2022. Collection method: clinical testing. Allele origin: somatic. Affected: yes.

Juno Genomics, Hangzhou Juno Genomics, Inc
Classification: Pathogenic for Neurofibromatosis, type 2. Review status: criteria provided, single submitter. Criteria: ACMG Guidelines, 2015. Collection method: clinical testing. Allele origin: germline. Affected: yes.
Comment: Absent from controls (or at extremely low frequency if recessive) in Genome Aggregation Database, Exome Sequencing Project, 1000 Genomes Project, or Exome Aggregation Consortium.;Null variant in a gene where loss of function (LOF) is a known mechanism of disease.;The prevalence of the variant in affected individuals is significantly increased compared to the prevalence in controls.

Literature cited by the submitters: PubMed 31257748 (cited by Center for Genomic Medicine, Rigshospitalet, Copenhagen University Hospital).